The following is an entry in ClinVar:

NM_004260.4(RECQL4):c.2086C>A (p.Arg696Ser)

Gene: RECQL4 (RecQ like helicase 4; minus strand). Cytogenetic location: 8q24.3.
Variant type: single nucleotide variant.
Coding change: c.2086C>A on transcript NM_004260.4 (MANE Select); coding-DNA position 2086, C replaced by A.
Protein change: p.Arg696Ser; replaces arginine 696 with serine.
Molecular consequence: missense variant.
Genome position (GRCh38, 1-based): chr8:144,513,685, G>T on the plus strand (C>A on the coding strand, the complement: RECQL4 is on the minus strand). VCF-style: chr8-144513685-G-T. GRCh37 (hg19) VCF-style: chr8-145739069-G-T.
Other names: p.Arg696Ser; short protein forms R696S.
Identifiers: ClinVar variation 135134 (VCV000135134.22), dbSNP rs531970883, ClinGen allele CA161825.

ClinVar aggregate classification (germline): Conflicting classifications of pathogenicity. Review status: criteria provided, conflicting classifications (1 of 4 stars). 13 submissions from 12 submitters: Uncertain significance (3); Benign (3); Likely benign (4). 3 of the submissions do not count toward it. Last evaluated 2026-02-03.

Conditions:
Baller-Gerold syndrome (BGS). Also called: CRANIOSYNOSTOSIS WITH RADIAL DEFECTS. Identifiers: Orphanet 1225, MedGen C0265308, MONDO:0009039, OMIM 218600.
Rothmund-Thomson syndrome type 2 (RTS2). Identifiers: Orphanet 221016, MedGen C5203410, MONDO:0016369, OMIM 268400.
Rapadilino syndrome. Identifiers: Orphanet 3021, MedGen C1849453, MONDO:0009955, OMIM 266280.
Hereditary cancer-predisposing syndrome. Also called: Tumor predisposition; Hereditary neoplastic syndrome; Neoplastic Syndromes, Hereditary; Hereditary Cancer Syndrome. Identifiers: Orphanet 140162, MedGen C0027672, MeSH D009386, MONDO:0015356.
Inborn genetic diseases. Identifiers: MedGen C0950123, MeSH D030342.

Allele frequency attached by ClinVar (database versions not stated): TOPMed 0.00002; 1000 Genomes Project 30x 0.00203; 1000 Genomes Project 0.00240.
gnomAD v4.1: 721 of 1,551,558 alleles (0.046%); highest among the groups gnomAD compares: South Asian, 0.76%; 8 homozygotes.

Submissions (13):

Labcorp Genetics (formerly Invitae), Labcorp
Classification: Benign for Baller-Gerold syndrome. Last evaluated: 2026-02-03. Review status: criteria provided, single submitter. Criteria: Invitae Variant Classification Sherloc (09022015). Collection method: clinical testing. Allele origin: germline.

Mayo Clinic Laboratories, Mayo Clinic
Classification: Benign. Last evaluated: 2025-09-16. Review status: criteria provided, single submitter. Criteria: ACMG Guidelines, 2015. Collection method: clinical testing. Allele origin: germline. Observed: 1 variant allele.
Comment: BS1, BS2

KCCC/NGS Laboratory, Kuwait Cancer Control Center
Classification: Benign for Rapadilino syndrome. Last evaluated: 2025-02-01. Review status: criteria provided, single submitter. Criteria: ACMG Guidelines, 2015. Collection method: clinical testing. Allele origin: germline. Affected: no.

Ambry Genetics
Classification: Likely benign for Inborn genetic diseases. Last evaluated: 2024-10-02. Review status: criteria provided, single submitter. Criteria: Ambry Variant Classification Scheme 2023. Collection method: clinical testing. Allele origin: germline.

Blueprint Genetics
Classification: Likely benign. Last evaluated: 2024-10-02. Review status: criteria provided, single submitter. Criteria: ACMG Guidelines, 2015. Collection method: clinical testing. Allele origin: germline.

Revvity Omics, Revvity
Classification: Uncertain significance. Last evaluated: 2023-08-04. Review status: criteria provided, single submitter. Criteria: ACMG Guidelines, 2015. Collection method: clinical testing. Allele origin: germline.

KCCC/NGS Laboratory, Kuwait Cancer Control Center
Classification: Likely benign for Rothmund-Thomson syndrome type 2. Last evaluated: 2023-07-07. Review status: criteria provided, single submitter. Criteria: ACMG Guidelines, 2015. Collection method: clinical testing. Allele origin: germline. Affected: yes.

Sema4
Classification: Likely benign for Hereditary cancer-predisposing syndrome. Last evaluated: 2022-01-20. Review status: criteria provided, single submitter. Criteria: Sema4 Curation Guidelines. Collection method: curation. Allele origin: germline.

Baylor Genetics
Classification: Uncertain significance for Rothmund-Thomson syndrome type 2. Last evaluated: 2021-01-06. Review status: criteria provided, single submitter. Criteria: ACMG Guidelines, 2015. Collection method: clinical testing. Allele origin: unknown. Affected: yes. Study: CSER-TexasKidsCanSeq.
Comment: This variant was determined to be of uncertain significance according to ACMG Guidelines, 2015 [PMID:25741868].

Department of Pathology and Laboratory Medicine, Sinai Health System
Classification: Uncertain significance for Baller-Gerold syndrome; Rapadilino syndrome; Rothmund-Thomson syndrome type 2. Last evaluated: 2020-09-01. Review status: criteria provided, single submitter. Criteria: ACMG Guidelines, 2015. Collection method: research. Allele origin: germline.

ITMI
No classification provided. Condition: AllHighlyPenetrant. Last evaluated: 2013-09-19. Review status: no classification provided. Collection method: reference population. Allele origin: germline. Not counted in ClinVar's aggregate classification.
Comment: Please see associated publication for description of ethnicities

Clinical Genetics DNA and cytogenetics Diagnostics Lab, Erasmus MC, Erasmus Medical Center
Classification: Uncertain significance. Review status: no assertion criteria provided. Collection method: clinical testing. Allele origin: germline. Affected: yes. Study: VKGL Data-share Consensus. Not counted in ClinVar's aggregate classification.

Laboratory of Diagnostic Genome Analysis, Leiden University Medical Center (LUMC)
Classification: Uncertain significance. Review status: no assertion criteria provided. Collection method: clinical testing. Allele origin: germline. Affected: yes. Study: VKGL Data-share Consensus. Not counted in ClinVar's aggregate classification.

Literature cited by the submitters: PubMed 24728327 (cited by ITMI).